The following is an entry in ClinVar:

ClinVar aggregate classification (germline): Uncertain significance (1 of 4 stars; one submission).

Conditions:
Nephronophthisis 14 (NPHP14). Identifiers: Orphanet 2318, MedGen C3539071, MONDO:0013916, OMIM 614844.

Allele frequency attached by ClinVar (database versions not stated): TOPMed below 0.00001; gnomAD 0.00001; gnomAD exomes 0.00002.
gnomAD v4.1: 35 of 1,612,370 alleles (0.0022%); highest among the groups gnomAD compares: Non-Finnish European, 0.0028%; no homozygotes.

Submission:

Labcorp Genetics (formerly Invitae), Labcorp
Classification: Uncertain significance for Nephronophthisis 14. Last evaluated: 2020-08-20. Review status: criteria provided, single submitter. Criteria: Invitae Variant Classification Sherloc (09022015). Collection method: clinical testing. Allele origin: germline.
Comment: In summary, the available evidence is currently insufficient to determine the role of this variant in disease. Therefore, it has been classified as a Variant of Uncertain Significance. Nucleotide substitutions within the consensus splice site are a relatively common cause of aberrant splicing (PMID: 17576681, 9536098). Algorithms developed to predict the effect of sequence changes on RNA splicing suggest that this variant may disrupt the consensus splice site, but this prediction has not been confirmed by published transcriptional studies. This variant has not been reported in the literature in individuals with ZNF423-related conditions. ClinVar contains an entry for this variant (Variation ID: 640556). This variant is not present in population databases (ExAC no frequency). This sequence change falls in intron 7 of the ZNF423 gene. It does not directly change the encoded amino acid sequence of the ZNF423 protein, but it affects a nucleotide within the consensus splice site of the intron.

Literature cited by the submitters: PubMed 17576681; PubMed 9536098.

NM_001379286.1(ZNF423):c.3849+6T>A

Gene: ZNF423 (zinc finger protein 423; minus strand). Cytogenetic location: 16q12.1.
Variant type: single nucleotide variant.
Coding change: c.3849+6T>A on transcript NM_001379286.1 (MANE Select); 6 bases into the intron after coding-DNA position 3849, T replaced by A.
Molecular consequence: intron variant.
Genome position (GRCh38, 1-based): chr16:49,523,618, A>T on the plus strand (T>A on the coding strand, the complement: ZNF423 is on the minus strand). VCF-style: chr16-49523618-A-T. GRCh37 (hg19) VCF-style: chr16-49557529-A-T.
Other names: c.3825+6T>A (NM_015069.5); c.3474+6T>A (NM_001330533.2); c.3645+6T>A (NM_001271620.2).
Identifiers: ClinVar variation 640556 (VCV000640556.8), dbSNP rs1340098894, ClinGen allele CA622207155.
Genomic context (GRCh38, chr16:49,523,618, plus strand): 5'-CCGTCGGTGCTGACGGGGGAACCGAGGACCATCAGGCGGCGTGGTGCAGCGGATGTGGGC[A>T]CCCACCTGCAGCTCGGTCTGGAAGAAGAACTTCTGAGGGCACTGTGAGCAGTCGTAGATC-3'